The following is an entry in ClinVar:

ClinVar aggregate classification (germline): Likely pathogenic (1 of 4 stars; one submission).

Submission:

Baylor Genetics
Classification: Likely pathogenic. Last evaluated: 2018-11-01. Review status: criteria provided, single submitter. Criteria: ACMG CNV Guidelines, 2011. Collection method: clinical testing. Allele origin: germline. Observed: 1 variant allele.
Comment: Duplications involving this region have been previously reported in patients with hypotonia, developmental delay, intellectual disability and dysmorphic features [PMID: 27633903, 21326286]

GRCh37/hg19 18q23(chr18:75146662-78014582)

Genes: ADNP2 (ADNP homeobox 2; plus strand), ATP9B (ATPase phospholipid transporting 9B (putative); plus strand), CTDP1 (CTD phosphatase subunit 1; plus strand), HSBP1L1 (heat shock factor binding protein 1 like 1; plus strand), KCNG2 (potassium voltage-gated channel modifier subfamily G member 2; plus strand) and 6 more. Cytogenetic location: 18q23.
Variant type: copy number gain.
Identifiers: ClinVar variation 625804 (VCV000625804.1).